The following is an entry in ClinVar:

NM_022124.6(CDH23):c.2177-280_2177-22del

Genes: CDH23 (cadherin related 23; plus strand), LOC130004033 (ATAC-STARR-seq lymphoblastoid active region 3517; plus strand). Cytogenetic location: 10q22.1.
Variant type: Deletion.
Coding change: c.2177-280_2177-22del on transcript NM_022124.6 (MANE Select); 280 bases into the intron before coding-DNA position 2177 through 22 bases into the intron before coding-DNA position 2177, 259 bases deleted.
Molecular consequence: intron variant.
Genome position (GRCh38, 1-based): chr10:71,693,867-71,694,125, 259 bases deleted. GRCh37 (hg19): chr10:73,453,624-73,453,882.
Other names: c.2177-280_2177-22del (NM_001171930.2, NM_001171931.2); c.2177-280_2177-22del259 (NM_022124.6).
Identifiers: ClinVar variation 3068757 (VCV003068757.2), dbSNP rs2494013651, ClinGen allele CA2825001702.

ClinVar aggregate classification (germline): Uncertain significance (1 of 4 stars; one submission).

Submission:

Women's Health and Genetics/Laboratory Corporation of America, LabCorp
Classification: Uncertain significance. Last evaluated: 2024-02-29. Review status: criteria provided, single submitter. Criteria: LabCorp Variant Classification Summary - May 2015. Collection method: clinical testing. Allele origin: germline.
Comment: Variant summary: CDH23 c.2177-280_2177-22del259 is located at a position not widely known to affect splicing. Several computational tools predict a significant impact on normal splicing: Four predict the variant no significant impact on splicing. Four predict the variant abolishes a 5' splicing donor site. However, these predictions have yet to be confirmed by functional studies. The variant allele was found at a frequency of 0.00021 in 125782 control chromosomes in the gnomAD database, including 2 homozygotes (SVs v4). This frequency is not significantly higher than estimated for a pathogenic variant in CDH23 causing Usher Syndrome (0.00021 vs 0.0032), allowing no conclusion about variant significance. To our knowledge, no occurrence of c.2177-280_2177-22del259 in individuals affected with Usher Syndrome and no experimental evidence demonstrating its impact on protein function have been reported. No submitters have cited clinical-significance assessments for this variant to ClinVar. Based on the evidence outlined above, the variant was classified as uncertain significance.